The following is an entry in ClinVar:

ClinVar aggregate classification (germline): Uncertain significance. Review status: criteria provided, multiple submitters, no conflicts (2 of 4 stars). 2 submissions from 2 submitters: Uncertain significance (2). Last evaluated 2025-10-29.

Conditions:
Inborn genetic diseases. Identifiers: MedGen C0950123, MeSH D030342.

gnomAD v4.1: 16 of 1,173,265 alleles (0.0014%); highest among the groups gnomAD compares: South Asian, 0.028%; no homozygotes.

Submissions (2):

Ambry Genetics
Classification: Uncertain significance for Inborn genetic diseases. Last evaluated: 2025-10-29. Review status: criteria provided, single submitter. Criteria: Ambry Variant Classification Scheme 2023. Collection method: clinical testing. Allele origin: germline.

Labcorp Genetics (formerly Invitae), Labcorp
Classification: Uncertain significance. Last evaluated: 2025-02-09. Review status: criteria provided, single submitter. Criteria: Invitae Variant Classification Sherloc (09022015). Collection method: clinical testing. Allele origin: germline.
Comment: This sequence change replaces leucine, which is neutral and non-polar, with phenylalanine, which is neutral and non-polar, at codon 24 of the EFNB1 protein (p.Leu24Phe). This variant is present in population databases (rs759194644, gnomAD 0.05%), and has an allele count higher than expected for a pathogenic variant. This variant has not been reported in the literature in individuals affected with EFNB1-related conditions. Invitae Evidence Modeling of protein sequence and biophysical properties (such as structural, functional, and spatial information, amino acid conservation, physicochemical variation, residue mobility, and thermodynamic stability) indicates that this missense variant is not expected to disrupt EFNB1 protein function with a negative predictive value of 80%. In summary, the available evidence is currently insufficient to determine the role of this variant in disease. Therefore, it has been classified as a Variant of Uncertain Significance.

NM_004429.5(EFNB1):c.70C>T (p.Leu24Phe)

Gene: EFNB1 (ephrin B1; plus strand). Cytogenetic location: Xq13.1.
Variant type: single nucleotide variant.
Coding change: c.70C>T on transcript NM_004429.5 (MANE Select); coding-DNA position 70, C replaced by T.
Protein change: p.Leu24Phe; replaces leucine 24 with phenylalanine.
Molecular consequence: missense variant.
Genome position (GRCh38, 1-based): chrX:68,829,846, C>T. VCF-style: chrX-68829846-C-T. GRCh37 (hg19) VCF-style: chrX-68049689-C-T.
Other names: short protein forms L24F.
Identifiers: ClinVar variation 4618290 (VCV004618290.2).